The following is an entry in ClinVar:

ClinVar aggregate classification (germline): Likely benign (1 of 4 stars; one submission).

Allele frequency attached by ClinVar (database versions not stated): gnomAD 0.00124; TOPMed 0.00127; gnomAD exomes 0.00151; 1000 Genomes Project 30x 0.00219; 1000 Genomes Project 0.00240.
gnomAD v4.1: 201 of 159,202 alleles (0.13%); highest among the groups gnomAD compares: South Asian, 1%; 1 homozygote.

Submission:

CeGaT Center for Human Genetics Tuebingen
Classification: Likely benign. Last evaluated: 2023-07-01. Review status: criteria provided, single submitter. Criteria: CeGaT Center For Human Genetics Tuebingen Variant Classification Criteria Version 2. Collection method: clinical testing. Allele origin: germline. Affected: yes. Observed: 6 variant alleles.
Comment: CREBBP: BS1

NM_004380.3(CREBBP):c.5173-633G>A

Gene: CREBBP (CREB binding lysine acetyltransferase; minus strand). Cytogenetic location: 16p13.3.
Variant type: single nucleotide variant.
Coding change: c.5173-633G>A on transcript NM_004380.3 (MANE Select); 633 bases into the intron before coding-DNA position 5173, G replaced by A.
Molecular consequence: intron variant.
Genome position (GRCh38, 1-based): chr16:3,730,507, C>T on the plus strand (G>A on the coding strand, the complement: CREBBP is on the minus strand). VCF-style: chr16-3730507-C-T. GRCh37 (hg19) VCF-style: chr16-3780508-C-T.
Other names: c.5059-633G>A (NM_001079846.1).
Identifiers: ClinVar variation 2646133 (VCV002646133.24), dbSNP rs188926016, ClinGen allele CA276972763.